The following is an entry in ClinVar:

NM_001999.4(FBN2):c.*514A>C

Gene: FBN2 (fibrillin 2; minus strand). Cytogenetic location: 5q23.3.
Variant type: single nucleotide variant.
Coding change: c.*514A>C on transcript NM_001999.4 (MANE Select); 514 bases downstream of the stop codon, A replaced by C.
Molecular consequence: 3 prime UTR variant.
Genome position (GRCh38, 1-based): chr5:128,258,941, T>G on the plus strand (A>C on the coding strand, the complement: FBN2 is on the minus strand). VCF-style: chr5-128258941-T-G. GRCh37 (hg19) VCF-style: chr5-127594633-T-G.
Identifiers: ClinVar variation 350745 (VCV000350745.5), dbSNP rs551470283, ClinGen allele CA10622569.

ClinVar aggregate classification (germline): Benign (1 of 4 stars; one submission).

Conditions:
Congenital contractural arachnodactyly (CCA). Also called: BEALS SYNDROME; Beals-Hecht syndrome; Arthrogryposis, distal, type 9. Identifiers: Orphanet 115, MedGen C0220668, MONDO:0007363, OMIM 121050.

Allele frequency attached by ClinVar (database versions not stated): 1000 Genomes Project 0.00060; 1000 Genomes Project 30x 0.00062; TOPMed 0.00074; gnomAD 0.00080 and 0.00087.

Submission:

Illumina Laboratory Services, Illumina
Classification: Benign for Congenital contractural arachnodactyly. Last evaluated: 2018-01-12. Review status: criteria provided, single submitter. Criteria: ICSL Variant Classification Criteria 13 December 2019. Collection method: clinical testing. Allele origin: germline.
Comment: This variant was observed in the ICSL laboratory as part of a predisposition screen in an ostensibly healthy population. It had not been previously curated by ICSL or reported in the Human Gene Mutation Database (HGMD: prior to June 1st, 2018), and was therefore a candidate for classification through an automated scoring system. Utilizing variant allele frequency, disease prevalence and penetrance estimates, and inheritance mode, an automated score was calculated to assess if this variant is too frequent to cause the disease. Based on the score and internal cut-off values, a variant classified as benign is not then subjected to further curation. The score for this variant resulted in a classification of benign for this disease.